The following is an entry in ClinVar:

ClinVar aggregate classification (germline): Uncertain significance (1 of 4 stars; one submission).

Allele frequency attached by ClinVar (database versions not stated): gnomAD exomes below 0.00001; gnomAD 0.00002 and 0.00003; TOPMed 0.00002.
gnomAD v4.1: 5 of 1,163,775 alleles (0.00043%); highest among the groups gnomAD compares: Middle Eastern, 0.029%; no homozygotes.

Submission:

GeneDx
Classification: Uncertain significance. Last evaluated: 2017-06-29. Review status: criteria provided, single submitter. Criteria: GeneDx Variant Classification (06012015). Collection method: clinical testing. Allele origin: germline. Affected: yes.
Comment: The S212N variant has not been published as a pathogenic variant, nor has it been reported as a benign variant to our knowledge. It is not observed in large population cohorts (Lek et al., 2016; 1000 Genomes Consortium et al., 2015; Exome Variant Server). The S212N variant is a conservative amino acid substitution that occurs at a position that is conserved in mammals. In silico analysis is inconsistent in its predictions as to whether or not the variant is damaging to the protein structure/function. Therefore, based on the currently available information, it is unclear whether this variant is a pathogenic variant or a rare benign variant.

NM_001111125.3(IQSEC2):c.635G>A (p.Ser212Asn)

Gene: IQSEC2 (IQ motif and Sec7 domain ArfGEF 2; minus strand). Cytogenetic location: Xp11.22.
Variant type: single nucleotide variant.
Coding change: c.635G>A on transcript NM_001111125.3 (MANE Select); coding-DNA position 635, G replaced by A.
Protein change: p.Ser212Asn; replaces serine 212 with asparagine.
Molecular consequence: missense variant.
Genome position (GRCh38, 1-based): chrX:53,320,489, C>T on the plus strand (G>A on the coding strand, the complement: IQSEC2 is on the minus strand). VCF-style: chrX-53320489-C-T. GRCh37 (hg19) VCF-style: chrX-53349687-C-T.
Other names: short protein forms S212N.
Identifiers: ClinVar variation 432975 (VCV000432975.2), dbSNP rs899393047, ClinGen allele CA329903286.